The following is an entry in ClinVar:

NM_152268.4(PARS2):c.371C>T (p.Pro124Leu)

Gene: PARS2 (prolyl-tRNA synthetase 2, mitochondrial; minus strand). Cytogenetic location: 1p32.3.
Variant type: single nucleotide variant.
Coding change: c.371C>T on transcript NM_152268.4 (MANE Select); coding-DNA position 371, C replaced by T.
Protein change: p.Pro124Leu; replaces proline 124 with leucine.
Molecular consequence: missense variant.
Genome position (GRCh38, 1-based): chr1:54,758,791, G>A on the plus strand (C>T on the coding strand, the complement: PARS2 is on the minus strand). VCF-style: chr1-54758791-G-A. GRCh37 (hg19) VCF-style: chr1-55224464-G-A.
Other names: c.371C>T (NM_152268.3); short protein forms P124L.
Identifiers: ClinVar variation 2422032 (VCV002422032.7), dbSNP rs376396001, ClinGen allele CA869494.

ClinVar aggregate classification (germline): Uncertain significance. Review status: criteria provided, multiple submitters, no conflicts (2 of 4 stars). 3 submissions from 3 submitters: Uncertain significance (3). Last evaluated 2025-01-03.

Conditions:
Inborn genetic diseases. Identifiers: MedGen C0950123, MeSH D030342.

Allele frequency attached by ClinVar (database versions not stated): TOPMed 0.00004; gnomAD exomes 0.00003; gnomAD 0.00004; ExAC 0.00006; ESP Exome Variant Server 0.00008.
gnomAD v4.1: 61 of 1,613,962 alleles (0.0038%); highest among the groups gnomAD compares: South Asian, 0.016%; no homozygotes.

Submissions (3):

GeneDx
Classification: Uncertain significance. Last evaluated: 2025-01-03. Review status: criteria provided, single submitter. Criteria: GeneDx Variant Classification Process June 2021. Collection method: clinical testing. Allele origin: germline. Affected: yes.
Comment: In silico analysis supports that this missense variant has a deleterious effect on protein structure/function; Has not been previously published as pathogenic or benign to our knowledge

Ambry Genetics
Classification: Uncertain significance for Inborn genetic diseases. Last evaluated: 2023-08-14. Review status: criteria provided, single submitter. Criteria: Ambry Variant Classification Scheme 2023. Collection method: clinical testing. Allele origin: germline.

Labcorp Genetics (formerly Invitae), Labcorp
Classification: Uncertain significance. Last evaluated: 2022-06-26. Review status: criteria provided, single submitter. Criteria: Invitae Variant Classification Sherloc (09022015). Collection method: clinical testing. Allele origin: germline.
Comment: In summary, the available evidence is currently insufficient to determine the role of this variant in disease. Therefore, it has been classified as a Variant of Uncertain Significance. Algorithms developed to predict the effect of missense changes on protein structure and function are either unavailable or do not agree on the potential impact of this missense change (SIFT: "Deleterious"; PolyPhen-2: "Benign"; Align-GVGD: "Class C0"). This variant has not been reported in the literature in individuals affected with PARS2-related conditions. This variant is present in population databases (rs376396001, gnomAD 0.02%). This sequence change replaces proline, which is neutral and non-polar, with leucine, which is neutral and non-polar, at codon 124 of the PARS2 protein (p.Pro124Leu).